The following is an entry in ClinVar:

NM_001080432.3(FTO):c.976T>C (p.Cys326Arg)

Gene: FTO (FTO alpha-ketoglutarate dependent dioxygenase; plus strand). Cytogenetic location: 16q12.2.
Variant type: single nucleotide variant.
Coding change: c.976T>C on transcript NM_001080432.3 (MANE Select); coding-DNA position 976, T replaced by C.
Protein change: p.Cys326Arg; replaces cysteine 326 with arginine.
Molecular consequence: missense variant. On other transcripts: intron variant (2).
Genome position (GRCh38, 1-based): chr16:53,879,844, T>C. VCF-style: chr16-53879844-T-C. GRCh37 (hg19) VCF-style: chr16-53913756-T-C.
Other names: c.1006T>C, p.Cys336Arg (NM_001363891.2); c.976T>C, p.Cys326Arg (NM_001363894.2, NM_001363896.2, NM_001363903.2 and 4 more transcripts); c.898T>C, p.Cys300Arg (NM_001363897.2); c.862T>C, p.Cys288Arg (NM_001363899.2); c.832T>C, p.Cys278Arg (NM_001363901.2); c.463T>C, p.Cys155Arg (NM_001363905.2); c.1005+5979T>C (NM_001363898.2); c.975+5979T>C (NM_001363900.2); short protein forms C336R, C155R, C326R, C278R, C288R, C300R.
Identifiers: ClinVar variation 1513383 (VCV001513383.6), dbSNP rs779204175, ClinGen allele CA8058497.
Genomic context (GRCh38, chr16:53,879,844, plus strand): 5'-GGATGGTAGAGTAAACTTAGATTTTGCCCATAATTGTGATTGCTGGTTCTGTCTCAACAG[T>C]GCTCAACAGGAACCTTGGATTATATTTTACAACGCTGTCAGTTGGCTCTGCAGAATGTCT-3'
Protein context (NP_001073901.1, residues 316-336): RFSSTHRVAE[Cys326Arg]STGTLDYILQ

ClinVar aggregate classification (germline): Uncertain significance (1 of 4 stars; one submission).

gnomAD v4.1: 2 of 1,614,024 alleles (0.00012%); highest among the groups gnomAD compares: Admixed American, 0.0033%; no homozygotes.

Submission:

Labcorp Genetics (formerly Invitae), Labcorp
Classification: Uncertain significance. Last evaluated: 2024-02-17. Review status: criteria provided, single submitter. Criteria: Invitae Variant Classification Sherloc (09022015). Collection method: clinical testing. Allele origin: germline.
Comment: This sequence change replaces cysteine, which is neutral and slightly polar, with arginine, which is basic and polar, at codon 326 of the FTO protein (p.Cys326Arg). This variant is present in population databases (rs779204175, gnomAD 0.003%). This variant has not been reported in the literature in individuals affected with FTO-related conditions. ClinVar contains an entry for this variant (Variation ID: 1513383). An algorithm developed to predict the effect of missense changes on protein structure and function (PolyPhen-2) suggests that this variant is likely to be disruptive. In summary, the available evidence is currently insufficient to determine the role of this variant in disease. Therefore, it has been classified as a Variant of Uncertain Significance.